The following is an entry in ClinVar:

ClinVar aggregate classification (germline): Pathogenic (1 of 4 stars; one submission).

Submission:

Quest Diagnostics Nichols Institute San Juan Capistrano
Classification: Pathogenic. Last evaluated: 2024-11-25. Review status: criteria provided, single submitter. Criteria: ACMG/ClinGen CNV Guidelines, 2019. Collection method: clinical testing. Allele origin: unknown.
Comment: This copy number gain of 7q11.23 involves multiple protein-coding genes, including ELN (OMIM 130160) and LIMK1 (OMIM 601329), and is associated with chromosome 7q11.23 duplication syndrome (OMIM 609757, Mervis 2021). Thus, this CNV is classified as pathogenic. References: Mervis et al., GeneReviews. [2021 Mar 25]. PMID: 26610320

GRCh37/hg19 7q11.23(chr7:72576872-74175429)x3

Genes: TMEM270 (transmembrane protein 270; plus strand), TRIM50 (tripartite motif containing 50; minus strand), ABHD11-AS1 (ABHD11 antisense RNA 1 (tail to tail); plus strand), BAZ1B (bromodomain adjacent to zinc finger domain 1B; minus strand), LAT2 (linker for activation of T cells family member 2; plus strand) and 22 more. Cytogenetic location: 7q11.23.
Variant type: copy number gain.
Change: copy number 3 (three copies instead of two) of chr7:72,576,872-74,175,429 (1.60 Mb, GRCh37 coordinates, 1-based), cytogenetic band 7q11.23.
Identifiers: ClinVar variation 563399 (VCV000563399.3).